The following is an entry in ClinVar:

ClinVar aggregate classification (germline): Uncertain significance. Review status: criteria provided, multiple submitters, no conflicts (2 of 4 stars). 3 submissions from 3 submitters: Uncertain significance (3). Last evaluated 2025-10-09.

Conditions:
FGFR2-related craniosynostosis. Identifiers: MedGen CN231480.

Allele frequency attached by ClinVar (database versions not stated): gnomAD exomes 0.00002 and 0.00004; ExAC 0.00003.
gnomAD v4.1: 10 of 1,613,922 alleles (0.00062%); highest among the groups gnomAD compares: Admixed American, 0.015%; no homozygotes.

Submissions (3):

Labcorp Genetics (formerly Invitae), Labcorp
Classification: Uncertain significance for FGFR2-related craniosynostosis. Last evaluated: 2025-10-09. Review status: criteria provided, single submitter. Criteria: Invitae Variant Classification Sherloc (09022015). Collection method: clinical testing. Allele origin: germline.
Comment: This sequence change replaces proline, which is neutral and non-polar, with serine, which is neutral and polar, at codon 744 of the FGFR2 protein (p.Pro744Ser). This variant is present in population databases (rs747941020, gnomAD 0.03%). This variant has not been reported in the literature in individuals affected with FGFR2-related conditions. ClinVar contains an entry for this variant (Variation ID: 1380817). Invitae Evidence Modeling of protein sequence and biophysical properties (such as structural, functional, and spatial information, amino acid conservation, physicochemical variation, residue mobility, and thermodynamic stability) indicates that this missense variant is not expected to disrupt FGFR2 protein function with a negative predictive value of 80%. In summary, the available evidence is currently insufficient to determine the role of this variant in disease. Therefore, it has been classified as a Variant of Uncertain Significance.

GeneDx
Classification: Uncertain significance. Last evaluated: 2023-05-01. Review status: criteria provided, single submitter. Criteria: GeneDx Variant Classification Process June 2021. Collection method: clinical testing. Allele origin: germline. Affected: yes.
Comment: In silico analysis supports that this missense variant has a deleterious effect on protein structure/function; Has not been previously published as pathogenic or benign to our knowledge

Revvity Omics, Revvity
Classification: Uncertain significance. Last evaluated: 2020-10-22. Review status: criteria provided, single submitter. Criteria: ACMG Guidelines, 2015. Collection method: clinical testing. Allele origin: germline.

NM_000141.5(FGFR2):c.2230C>T (p.Pro744Ser)

Gene: FGFR2 (fibroblast growth factor receptor 2; minus strand). Cytogenetic location: 10q26.13.
Variant type: single nucleotide variant.
Coding change: c.2230C>T on transcript NM_000141.5 (MANE Select); coding-DNA position 2230, C replaced by T.
Protein change: p.Pro744Ser; replaces proline 744 with serine.
Molecular consequence: missense variant. On other transcripts: non-coding transcript variant (1).
Genome position (GRCh38, 1-based): chr10:121,483,769, G>A on the plus strand (C>T on the coding strand, the complement: FGFR2 is on the minus strand). VCF-style: chr10-121483769-G-A. GRCh37 (hg19) VCF-style: chr10-123243283-G-A.
Other names: c.2233C>T, p.Pro745Ser (NM_001144913.1, NM_022970.4); c.1894C>T, p.Pro632Ser (NM_001144914.1); c.1963C>T, p.Pro655Ser (NM_001144915.2, NM_023029.3); c.1885C>T, p.Pro629Ser (NM_001144916.2); c.1882C>T, p.Pro628Ser (NM_001144917.2); c.1879C>T, p.Pro627Ser (NM_001144918.2); c.1966C>T, p.Pro656Ser (NM_001144919.2); c.1546C>T, p.Pro516Ser (NM_001320654.2); and 1 more; short protein forms P516S, P629S, P628S, P627S, P632S, P656S, P742S, P744S.
Identifiers: ClinVar variation 1380817 (VCV001380817.11), dbSNP rs747941020, ClinGen allele CA5720525.